The following is an entry in ClinVar:

ClinVar aggregate classification (germline): Uncertain significance (1 of 4 stars; one submission).

gnomAD v4.1: 1 of 1,614,150 alleles (0.000062%); highest among the groups gnomAD compares: Non-Finnish European, 0.000085%; no homozygotes.

Submission:

GeneDx
Classification: Uncertain significance. Last evaluated: 2026-04-18. Review status: criteria provided, single submitter. Criteria: GeneDx Variant Classification Process June 2021. Collection method: clinical testing. Allele origin: germline.
Comment: Not observed at significant frequency in large population cohorts (gnomAD); In silico analysis supports that this missense variant has a deleterious effect on protein structure/function; Has not been previously published as pathogenic or benign to our knowledge

NM_000552.5(VWF):c.2292C>A (p.Ser764Arg)

Gene: VWF (von Willebrand factor; minus strand). Cytogenetic location: 12p13.31.
Variant type: single nucleotide variant.
Coding change: c.2292C>A on transcript NM_000552.5 (MANE Select); coding-DNA position 2292, C replaced by A.
Protein change: p.Ser764Arg; replaces serine 764 with arginine.
Molecular consequence: missense variant.
Genome position (GRCh38, 1-based): chr12:6,044,441, G>T on the plus strand (C>A on the coding strand, the complement: VWF is on the minus strand). VCF-style: chr12-6044441-G-T. GRCh37 (hg19) VCF-style: chr12-6153607-G-T.
Other names: short protein forms S764R.
Identifiers: ClinVar variation 4086390 (VCV004086390.2).